The following is an entry in ClinVar:

ClinVar aggregate classification (germline): Uncertain significance (1 of 4 stars; one submission).

Conditions:
Left ventricular noncompaction 8 (LVNC8). Identifiers: Orphanet 154, Orphanet 54260, MedGen C3809288, MONDO:0014152, OMIM 615373.

Submission:

Labcorp Genetics (formerly Invitae), Labcorp
Classification: Uncertain significance for Left ventricular noncompaction 8. Last evaluated: 2024-11-21. Review status: criteria provided, single submitter. Criteria: Invitae Variant Classification Sherloc (09022015). Collection method: clinical testing. Allele origin: germline.
Comment: This variant, c.3094_3099dup, results in the insertion of 2 amino acid(s) of the PRDM16 protein (p.His1032_Glu1033dup), but otherwise preserves the integrity of the reading frame. This variant is not present in population databases (gnomAD no frequency). This variant has not been reported in the literature in individuals affected with PRDM16-related conditions. In summary, the available evidence is currently insufficient to determine the role of this variant in disease. Therefore, it has been classified as a Variant of Uncertain Significance.

NM_022114.4(PRDM16):c.3088CACGAG[3] (p.Glu1033_Asn1034insHisGlu)

Gene: PRDM16 (PR/SET domain 16; plus strand). Cytogenetic location: 1p36.32.
Variant type: Microsatellite.
Coding change: c.3088CACGAG[3] on transcript NM_022114.4 (MANE Select); three copies in a row of the 6-base unit CACGAG starting at c.3088; the reference has two copies in a row; one copy, 6 bases duplicated.
Protein change: p.Glu1033_Asn1034insHisGlu.
Genome position (GRCh38, 1-based): chr1:3,425,735-3,425,740, CACGAG duplicated; duplicating any 6 consecutive bases within chr1:3,425,727-3,425,740 gives the same sequence; the position shown is the placement nearest the transcript's 3' end. VCF-style (leftmost placement, unchanged base first): chr1-3425726-A-AAGCACG. GRCh37 (hg19) VCF-style: chr1-3342290-A-AAGCACG.
Other names: c.3088CACGAG[3], p.Glu1033_Asn1034insHisGlu (NM_199454.3).
Identifiers: ClinVar variation 3725761 (VCV003725761.2).